The following is an entry in ClinVar:

ClinVar aggregate classification (germline): Uncertain significance (1 of 4 stars; one submission).

Conditions:
Hereditary pancreatitis (PCTT). Also called: Hereditary chronic pancreatitis; PRSS1-Related Hereditary Pancreatitis. Identifiers: Orphanet 676, MedGen C0238339, MONDO:0008185, OMIM 167800.

Submission:

Ambry Genetics
Classification: Uncertain significance for Hereditary pancreatitis. Last evaluated: 2023-11-02. Review status: criteria provided, single submitter. Criteria: Ambry Variant Classification Scheme 2023. Collection method: clinical testing. Allele origin: germline.
Comment: The p.V214A variant (also known as c.641T>C), located in coding exon 5 of the PRSS1 gene, results from a T to C substitution at nucleotide position 641. The valine at codon 214 is replaced by alanine, an amino acid with similar properties. This amino acid position is conserved. In addition, the in silico prediction for this alteration is inconclusive. Since supporting evidence is limited at this time, the clinical significance of this alteration remains unclear.

NM_002769.5(PRSS1):c.641T>C (p.Val214Ala)

Genes: TRB (T cell receptor beta locus; plus strand), PRSS1 (serine protease 1; plus strand). Cytogenetic location: 7q34.
Variant type: single nucleotide variant.
Coding change: c.641T>C on transcript NM_002769.5 (MANE Select); coding-DNA position 641, T replaced by C.
Protein change: p.Val214Ala; replaces valine 214 with alanine.
Molecular consequence: missense variant. On other transcripts: non-coding transcript variant (5).
Genome position (GRCh38, 1-based): chr7:142,752,917, T>C. VCF-style: chr7-142752917-T-C. GRCh37 (hg19) VCF-style: chr7-142460768-T-C.
Other names: short protein forms V214A.
Identifiers: ClinVar variation 3222821 (VCV003222821.1), dbSNP rs2485768852, ClinGen allele CA369610663.